The following is an entry in ClinVar:

NM_133642.5(LARGE1):c.2073+36C>T

Gene: LARGE1 (LARGE xylosyl- and glucuronyltransferase 1; minus strand). Cytogenetic location: 22q12.3.
Variant type: single nucleotide variant.
Coding change: c.2073+36C>T on transcript NM_133642.5 (MANE Select); 36 bases into the intron after coding-DNA position 2073, C replaced by T.
Molecular consequence: intron variant.
Genome position (GRCh38, 1-based): chr22:33,277,024, G>A on the plus strand (C>T on the coding strand, the complement: LARGE1 is on the minus strand). VCF-style: chr22-33277024-G-A. GRCh37 (hg19) VCF-style: chr22-33673010-G-A.
Other names: c.2073+36C>T (NM_001362953.2, NM_001362949.2, NM_001362951.2 and 4 more transcripts); c.1926+36C>T (NM_001378627.1, NM_001378628.1); c.1917+36C>T (NM_001378629.1); c.1167+36C>T (NM_001378631.1); c.1470+36C>T (NM_001378630.1).
Identifiers: ClinVar variation 158806 (VCV000158806.8), dbSNP rs41302579, ClinGen allele CA172465.

ClinVar aggregate classification (germline): Benign. Review status: criteria provided, multiple submitters, no conflicts (2 of 4 stars). 3 submissions from 3 submitters: Benign (2). 1 of the submissions does not count toward it.

Allele frequency attached by ClinVar (database versions not stated): 1000 Genomes Project 0.00419; 1000 Genomes Project 30x 0.00468; ESP Exome Variant Server 0.00792; ExAC 0.00882; gnomAD 0.00883; TOPMed 0.00953.
gnomAD v4.1: 17,217 of 1,600,152 alleles (1.1%); highest among the groups gnomAD compares: Middle Eastern, 1.8%; 121 homozygotes.

Submissions (3):

Breakthrough Genomics
Classification: Benign. Review status: criteria provided, single submitter. Criteria: ACMG Guidelines, 2015. Collection method: not provided. Allele origin: germline. Inheritance: Autosomal recessive inheritance. Affected: yes.

PreventionGenetics, part of Exact Sciences
Classification: Benign. Review status: criteria provided, single submitter. Criteria: ACMG Guidelines, 2015. Collection method: clinical testing. Allele origin: germline.

Genetic Services Laboratory, University of Chicago
Classification: Likely benign. Review status: no assertion criteria provided. Collection method: clinical testing. Allele origin: germline. Inheritance: Autosomal recessive inheritance. Not counted in ClinVar's aggregate classification.
Comment: Likely benign based on allele frequency in 1000 Genomes Project or ESP global frequency and its presence in a patient with a rare or unrelated disease phenotype. NOT Sanger confirmed